The following is an entry in ClinVar:

ClinVar aggregate classification (germline): Conflicting classifications of pathogenicity. Review status: criteria provided, conflicting classifications (1 of 4 stars). 11 submissions from 11 submitters: Pathogenic (1); Likely pathogenic (6); Uncertain significance (4). Last evaluated 2025-11-25.

Conditions:
MSH6-related disorder. Also called: MSH6-related condition; MSH6-Related disorders.
Hereditary nonpolyposis colorectal neoplasms. Identifiers: MedGen C0009405, MeSH D003123.
Hereditary cancer-predisposing syndrome. Also called: Hereditary Cancer Syndrome; Tumor predisposition; Neoplastic Syndromes, Hereditary; Hereditary neoplastic syndrome. Identifiers: Orphanet 140162, MedGen C0027672, MeSH D009386, MONDO:0015356.
Hereditary breast ovarian cancer syndrome. Also called: Hereditary breast and ovarian cancer syndrome; Hereditary breast and/or ovarian cancer syndrome; Hereditary breast and ovarian cancer; Hereditary breast and ovarian cancer syndrome (HBOC); Breast and ovarian cancer; BRCA1- and BRCA2-Associated Hereditary Breast and Ovarian Cancer. Identifiers: Orphanet 145, MedGen C0677776, MeSH D061325, MONDO:0003582. Disease mechanism: loss of function.
Lynch syndrome 5 (LYNCH5). Also called: Hereditary non-polyposis colorectal cancer, type 5; Colorectal cancer, hereditary nonpolyposis, type 5. Identifiers: Orphanet 144, MedGen C1833477, MONDO:0013710, OMIM 614350. Disease mechanism: loss of function.
Endometrial carcinoma. Also called: Endometrial carcinoma, somatic. Identifiers: MedGen C0476089, MONDO:0002447, OMIM 608089, HP:0012114.

Allele frequency attached by ClinVar (database versions not stated): gnomAD exomes below 0.00001.
gnomAD v4.1: 4 of 1,583,612 alleles (0.00025%); highest among the groups gnomAD compares: Non-Finnish European, 0.00034%; no homozygotes.

Submissions 1 to 5 of 11:

Color Diagnostics, LLC DBA Color Health
Classification: Uncertain significance for Hereditary cancer-predisposing syndrome. Last evaluated: 2025-11-25. Review status: criteria provided, single submitter. Criteria: ACMG Guidelines, 2015. Collection method: clinical testing. Allele origin: germline.
Comment: This missense variant replaces arginine with histidine at codon 976 of the MSH6 protein. Computational predictions are inconclusive for impact on protein structure and function. Functional studies have reported this variant was partially functional (~50%) in an in vitro mismatch repair assay (PMID: 22102614). This variant also demonstrated reduced in vitro mismatch-stimulated ATPase activity, affinity for mismatched DNA, and ADP binding, and delayed release of ADP (PMID: 18790734). This variant has been reported in individuals affected with colorectal cancer whose tumors showed microsatelite instability and were MSH6 negative by immunocytochemistry (PMID: 11807791, 30702970). This variant has been identified in 4/1583612 chromosomes in the general population by the Genome Aggregation Database (gnomAD). Although the available evidence indicates that this variant may be associated with disease, additional studies are necessary to determine the role of this variant in disease conclusively. Therefore, this variant is classified as a Variant of Uncertain Significance.

Labcorp Genetics (formerly Invitae), Labcorp
Classification: Pathogenic for Hereditary nonpolyposis colorectal neoplasms. Last evaluated: 2025-11-24. Review status: criteria provided, single submitter. Criteria: Invitae Variant Classification Sherloc (09022015). Collection method: clinical testing. Allele origin: germline.
Comment: This sequence change replaces arginine, which is basic and polar, with histidine, which is basic and polar, at codon 976 of the MSH6 protein (p.Arg976His). This variant is not present in population databases (gnomAD no frequency). This missense change has been observed in individuals with Lynch syndrome and constitutional mismatch repair deficiency syndrome (PMID: 11807791, 28514183, 30702970, 31391288; internal data). It has also been observed to segregate with disease in related individuals. ClinVar contains an entry for this variant (Variation ID: 89322). Invitae Evidence Modeling of protein sequence and biophysical properties (such as structural, functional, and spatial information, amino acid conservation, physicochemical variation, residue mobility, and thermodynamic stability) has been performed for this missense variant. However, the output from this modeling did not meet the statistical confidence thresholds required to predict the impact of this variant on MSH6 protein function. Experimental studies have shown that this missense change affects MSH6 function (PMID: 18790734, 22102614). This variant disrupts the p.Arg976 amino acid residue in MSH6. Other variant(s) that disrupt this residue have been observed in individuals with MSH6-related conditions (PMID: 29755653, 30702970), which suggests that this may be a clinically significant amino acid residue. For these reasons, this variant has been classified as Pathogenic.

PreventionGenetics, part of Exact Sciences
Classification: Likely pathogenic for MSH6-related condition. Last evaluated: 2025-08-22. Review status: criteria provided, single submitter. Criteria: ACMG Guidelines, 2015. Collection method: clinical testing. Allele origin: germline.
Comment: The MSH6 c.2927G>A variant is predicted to result in the amino acid substitution p.Arg976His. This variant was reported in the germline in individuals with Lynch syndrome-related cancers with an additional somatic MSH6 variant detected in the tumor sample (Plaschke et al. 2002. PubMed ID: 11807791; Salvador et al. 2019. PubMed ID: 30702970; Table S4, Li et al. 2019. PubMed ID: 31391288). Functional studies demonstrated that this variant results in impaired ATP hydrolysis and less efficient repair of DNA mismatches (Cyr et al. 2008. PubMed ID: 18790734; Drost et al. 2012. PubMed ID: 22102614). This variant has not been reported in a large population database (gnomAD), indicating this variant is rare. In ClinVar, this variant has conflicting interpretations ranging from uncertain to pathogenic (Variation ID: 89322). In addition, other missense variants affecting the arginine residue at position 976 (p.Arg976Gly and p.Arg976Cys) have been reported in the germline of patients with Lynch syndrome-related cancers (Salvador et al. 2019. PubMed ID: 30702970; Table S4, Li et al. 2019. PubMed ID: 31391288; Supplemental Table 2, Okawa et al. 2023. PubMed ID: 36243179). Taken together, the c.2927G>A (p.Arg976His) variant is interpreted as likely pathogenic.

Ambry Genetics
Classification: Likely pathogenic for Hereditary cancer-predisposing syndrome. Last evaluated: 2025-07-22. Review status: criteria provided, single submitter. Criteria: Ambry Variant Classification Scheme 2023. Collection method: clinical testing. Allele origin: germline.
Comment: The p.R976H variant (also known as c.2927G>A), located in coding exon 4 of the MSH6 gene, results from a G to A substitution at nucleotide position 2927. The arginine at codon 976 is replaced by histidine, an amino acid with highly similar properties. This variant has been identified in individuals diagnosed with colorectal cancers demonstrating isolated loss/reduced staining of MSH6 on immunohistochemistry (Plaschke J et al. Int. J. Cancer, 2002 Feb;97:643-8; Salvador MU et al. J Clin Oncol. 2019 Mar 10;37(8):647-657). Additionally, functional studies have concluded that this variant affects mismatch repair recognition, demonstrating the MMR activity of p.R976H to be less than 50% compared to wild type (Cyr JL et al. J. Biol. Chem., 2008 Nov;283:31641-8; Drost M et al. Hum. Mutat., 2012 Mar;33:488-94). This amino acid position is highly conserved in available vertebrate species. In addition, this alteration is predicted to be deleterious by in silico analysis. This variant is considered to be rare based on population cohorts in the Genome Aggregation Database (gnomAD). Based on the majority of available evidence to date, this variant is likely to be pathogenic.

German Consortium for Hereditary Breast and Ovarian Cancer, University Hospital Cologne
Classification: Uncertain significance for Hereditary breast ovarian cancer syndrome. Last evaluated: 2025-07-09. Review status: criteria provided, single submitter. Criteria: ClinGen MSH6 V1.0.0. Collection method: curation. Allele origin: germline.
Comment: This classification follows the ClinGen InSiGHT ACMG MSH6 v1.0.0 classification scheme; We chose these criteria: PS3 (supporting pathogenic): 47% repair activity in in vitro MMR complementation assay Drost et al., 2011. Reduced ATP binding & reduced mismatch binding Cyr et al., 2008 1 x hom in CMMR-D (Ambry internal data);, PM2 (supporting pathogenic): rare (<1 in 50,000 alleles) in gnomAD v4 dataset, PP4 (medium pathogenic): Plaschke (2002, PMID: 11807791) MSH-H; Tumour IHC MSH6: absent --> 1P Salvador (2019, PMID: 30702970): IHC MSH6: absent --> 1P Li (2020, PMID: 31391288, listed in S1, Table S4): computed the tumour characteristic LR (TCLR); "To avoid overestimation of TCLR, for variants in each MMR gene, only patients with loss of protein expression consistent with the gene(s) of interest in the presence of abnormal MSI/IHC status were included in the TCLR calculation. For example, when evaluating PMS2 variants, only carriers with loss of PMS2 expression were included for patients who had abnormal MSI/IHC status." --> 1P, BP4 (supporting benign): HCI-prior probability of pathogenicity = 0.10 (thus,<0.11)

NM_000179.3(MSH6):c.2927G>A (p.Arg976His)

Gene: MSH6 (mutS homolog 6; plus strand). Cytogenetic location: 2p16.3.
Variant type: single nucleotide variant.
Coding change: c.2927G>A on transcript NM_000179.3 (MANE Select); coding-DNA position 2927, G replaced by A.
Protein change: p.Arg976His; replaces arginine 976 with histidine.
Molecular consequence: missense variant.
Genome position (GRCh38, 1-based): chr2:47,800,910, G>A. VCF-style: chr2-47800910-G-A. GRCh37 (hg19) VCF-style: chr2-48028049-G-A.
Other names: c.2537G>A, p.Arg846His (NM_001281492.2); c.2021G>A, p.Arg674His (NM_001281493.2, NM_001281494.2); short protein forms R976H, R674H, R846H.
Identifiers: ClinVar variation 89322 (VCV000089322.34), dbSNP rs63751113, ClinGen allele CA011105.
Genomic context (GRCh38, chr2:47,800,910, plus strand): 5'-AGAAACAGCGCAACAGAATTGGCTGTAGGACCATAGTCTATTGGGGGATTGGTAGGAACC[G>A]TTACCAGCTGGAAATTCCTGAGAATTTCACCACTCGCAATTTGCCAGAAGAATACGAGTT-3'
Protein context (NP_000170.1, residues 966-986): TIVYWGIGRN[Arg976His]YQLEIPENFT